The following is an entry in ClinVar:

ClinVar aggregate classification (germline): Pathogenic/Likely pathogenic. Review status: criteria provided, multiple submitters, no conflicts (2 of 4 stars). 15 submissions from 15 submitters: Pathogenic (12); Likely pathogenic (1). 2 of the submissions do not count toward it. Last evaluated 2026-08-25.

Conditions:
Cardiovascular phenotype. Identifiers: MedGen CN230736.
KCNQ1-related disorder. Also called: KCNQ1-related condition; KCNQ1-related disorders. Identifiers: MedGen CN239322.
Cardiac arrhythmia. Also called: Arrhythmia; Cardiac rhythm disease. Identifiers: MedGen C0003811, MONDO:0007263, HP:0011675.
Familial long QT syndrome (RWS). Also called: Congenital long QT syndrome; Romano-Ward syndrome; VENTRICULAR FIBRILLATION WITH PROLONGED QT INTERVAL. Identifiers: Orphanet 768, MedGen C1141890, MONDO:0019171.
Atrial fibrillation, familial, 3 (ATFB3). Identifiers: MedGen C1837014, MONDO:0011857, OMIM 607554.
Long QT syndrome 1 (LQT1). Identifiers: Orphanet 101016, Orphanet 768, MedGen C4551647, MONDO:0100316, OMIM 192500, MONDO:0008646.
Jervell and Lange-Nielsen syndrome 1 (JLNS1). Also called: CARDIOAUDITORY SYNDROME OF JERVELL AND LANGE-NIELSEN; DEAFNESS, CONGENITAL, AND FUNCTIONAL HEART DISEASE; PROLONGED QT INTERVAL IN EKG AND SUDDEN DEATH; SURDO-CARDIAC SYNDROME. Identifiers: Orphanet 768, Orphanet 90647, MedGen C4551509, MONDO:0024540, OMIM 220400.
Short QT syndrome type 2. Identifiers: Orphanet 51083, MedGen C1865019, MONDO:0012313, OMIM 609621.
Long QT syndrome (LQTS). Identifiers: MedGen C0023976, MeSH D008133, MONDO:0002442. Disease mechanism: loss of function. Inheritance: Various modes of inheritance.

gnomAD v4.1: 2 of 1,613,638 alleles (0.00012%); highest among the groups gnomAD compares: African/African-American, 0.0013%; no homozygotes.

Submissions 1 to 9 of 15:

PreventionGenetics, part of Exact Sciences
Classification: Pathogenic for KCNQ1-related condition. Last evaluated: 2026-08-25. Review status: criteria provided, single submitter. Criteria: ACMG Guidelines, 2015. Collection method: clinical testing. Allele origin: germline.
Comment: The KCNQ1 c.1772G>A variant is predicted to result in the amino acid substitution p.Arg591His. This variant was reported in numerous individuals with long QT syndrome (Neyroud et al. 1999. PubMed ID: 10024302; Table S1, Giudicessi et al. 2012. PubMed ID: 22949429; Supplementary table, Marschall et al. 2019. PubMed ID: 31737537; Table S1, Schwartz et al. 2021. PubMed ID: 34505893). Functional studies showed that this variant alters protein trafficking and reduces potassium channel current (Kanki et al. 2004. PubMed ID: 15140888; Grunnet et al. 2005. PubMed ID: 16253915). This variant has not been reported in a large population database (gnomAD), indicating this variant is rare. This variant is interpreted as pathogenic.

Color Diagnostics, LLC DBA Color Health
Classification: Pathogenic for Cardiac arrhythmia. Last evaluated: 2025-09-10. Review status: criteria provided, single submitter. Criteria: ACMG Guidelines, 2015. Collection method: clinical testing. Allele origin: germline.
Comment: This missense variant replaces arginine with histidine at codon 591 of the KCNQ1 protein. This variant is located within the highly conserved C-terminal region of the KCNQ1 protein. Rare non-truncating variants in this region have been shown to be significantly overrepresented in individuals with long QT syndrome (PMID: 32893267). Computational prediction suggests that this variant may have deleterious impact on protein structure and function. Functional studies have shown that this variant results in approximately 50% reduction in potassium channel function in a non-dominant manner (PMID: 16253915, 20662986). This variant has been reported in individuals affected with long QT syndrome (PMID: 10024302, 15234419, 16253915, 19261104, 21482651, 22727609, 22949429, 31520628, 34505893, 10024302, 16253915, 19261104). This variant has been shown to segregate with disease multiple families (PMID: 10024302, 16253915, 19261104). This variant has not been identified in the general population by the Genome Aggregation Database (gnomAD). A different missense variant occurring at the same codon, p.Arg591Cys, is known to cause disease (ClinVar variation ID: 53016), indicating the functional and clinical importance of this position. Based on the available evidence, this p.Arg591His variant is classified as Pathogenic.

Labcorp Genetics (formerly Invitae), Labcorp
Classification: Pathogenic for Long QT syndrome. Last evaluated: 2025-08-30. Review status: criteria provided, single submitter. Criteria: Invitae Variant Classification Sherloc (09022015). Collection method: clinical testing. Allele origin: germline.
Comment: This sequence change replaces arginine, which is basic and polar, with histidine, which is basic and polar, at codon 591 of the KCNQ1 protein (p.Arg591His). This variant is not present in population databases (gnomAD no frequency). This missense change has been observed in individuals with long QT syndrome (PMID: 10024302, 15234419, 16253915, 19261104, 21482651, 22727609, 22949429). It has also been observed to segregate with disease in related individuals. ClinVar contains an entry for this variant (Variation ID: 53017). Invitae Evidence Modeling of protein sequence and biophysical properties (such as structural, functional, and spatial information, amino acid conservation, physicochemical variation, residue mobility, and thermodynamic stability) has been performed for this missense variant. However, the output from this modeling did not meet the statistical confidence thresholds required to predict the impact of this variant on KCNQ1 protein function. Experimental studies have shown that this missense change affects KCNQ1 function (PMID: 16253915, 20662986). This variant disrupts the p.Arg591 amino acid residue in KCNQ1. Other variant(s) that disrupt this residue have been observed in individuals with KCNQ1-related conditions (PMID: 22429796, 22949429, 23158531), which suggests that this may be a clinically significant amino acid residue. For these reasons, this variant has been classified as Pathogenic.

Molecular Genetics Laboratory, BC Children's and BC Women's Hospitals
Classification: Pathogenic for Long QT syndrome 1. Last evaluated: 2025-07-09. Review status: criteria provided, single submitter. Criteria: ACMG Guidelines, 2015. Collection method: clinical testing. Allele origin: unknown. Affected: yes.

Ambry Genetics
Classification: Pathogenic for Cardiovascular phenotype. Last evaluated: 2024-12-26. Review status: criteria provided, single submitter. Criteria: Ambry Variant Classification Scheme 2023. Collection method: clinical testing. Allele origin: germline.
Comment: The p.R591H pathogenic mutation (also known as c.1772G>A), located in coding exon 15 of the KCNQ1 gene, results from a G to A substitution at nucleotide position 1772. The arginine at codon 591 is replaced by histidine, an amino acid with highly similar properties. This variant was identified in one or more individuals with features consistent with long QT syndrome and segregated with disease in at least one family (Neyroud N et al. Circ Res, 1999 Feb;84:290-7; Tester DJ et al. Heart Rhythm, 2006 Jul;3:815-21; Robinson JA et al. Congenit Heart Dis Apr;10:354-61; Grunnet M et al. Heart Rhythm, 2005 Nov;2:1238-49; Marschall C et al. Cardiovasc Diagn Ther, 2019 Oct;9:S292-S298). In multiple assays testing KCNQ1 function, this variant showed functionally abnormal results (Grunnet M et al. Heart Rhythm, 2005 Nov;2:1238-49; Horr S et al. J Cardiovasc Electrophysiol, 2011 Feb;22:193-200; David JP et al. Traffic, 2013 Apr;14:399-411). This amino acid position is highly conserved in available vertebrate species. In addition, this alteration is predicted to be deleterious by in silico analysis. This variant is considered to be rare based on population cohorts in the Genome Aggregation Database (gnomAD). Based on the supporting evidence, this alteration is interpreted as a disease-causing mutation.

Blueprint Genetics
Classification: Pathogenic for KCNQ1-related disorders. Last evaluated: 2024-10-11. Review status: criteria provided, single submitter. Criteria: ACMG Guidelines, 2015. Collection method: clinical testing. Allele origin: germline. Affected: yes. Observed: 5 variant alleles.

KardioGenetik, Herz- und Diabeteszentrum NRW
Classification: Pathogenic for Long QT syndrome 1. Last evaluated: 2024-07-19. Review status: criteria provided, single submitter. Criteria: ACMG Guidelines, 2015. Collection method: clinical testing. Allele origin: unknown. Affected: yes. Observed: 1 variant allele.
Comment: PS4_strong, PS3_supporting, PM1, PM2_supporting, PM5_supporting, PP3_moderate

Dept of Medical Biology, Uskudar University
Classification: Pathogenic for Long QT syndrome. Last evaluated: 2024-01-08. Review status: criteria provided, single submitter. Criteria: Dept of Medical Biology Variant Classification. Collection method: research. Allele origin: maternal. Affected: yes. Observed: 2 variant alleles.
Comment: Criteria: PS3_Moderate, PS4_Strong, PM1, PM2, PP3

CeGaT Center for Human Genetics Tuebingen
Classification: Pathogenic. Last evaluated: 2023-10-01. Review status: criteria provided, single submitter. Criteria: CeGaT Center For Human Genetics Tuebingen Variant Classification Criteria Version 2. Collection method: clinical testing. Allele origin: germline. Affected: yes. Observed: 1 variant allele.
Comment: KCNQ1: PM1:Strong, PM2, PM5, PS4:Moderate, PP1, PS3:Supporting

NM_000218.3(KCNQ1):c.1772G>A (p.Arg591His)

Gene: KCNQ1 (potassium voltage-gated channel subfamily Q member 1; plus strand). Cytogenetic location: 11p15.5.
Variant type: single nucleotide variant.
Coding change: c.1772G>A on transcript NM_000218.3 (MANE Select); coding-DNA position 1772, G replaced by A.
Protein change: p.Arg591His; replaces arginine 591 with histidine.
Molecular consequence: missense variant.
Genome position (GRCh38, 1-based): chr11:2,778,015, G>A. VCF-style: chr11-2778015-G-A. GRCh37 (hg19) VCF-style: chr11-2799245-G-A.
Other names: c.1772G>A (LRG_287t1); c.1676G>A, p.Arg559His (NM_001406836.1); c.1502G>A, p.Arg501His (NM_001406837.1); c.1232G>A, p.Arg411His (NM_001406838.1); c.284G>A, p.Arg95His (NM_001406839.1); c.1391G>A, p.Arg464His (NM_181798.2); short protein forms R591H, R464H, R411H, R95H, R501H, R559H.
Identifiers: ClinVar variation 53017 (VCV000053017.48), dbSNP rs199472814, ClinGen allele CA006369.